The following is an entry in ClinVar:

NM_004415.4(DSP):c.1386_1389del (p.Leu463fs)

Gene: DSP (desmoplakin; plus strand). Cytogenetic location: 6p24.3.
Variant type: Deletion.
Coding change: c.1386_1389del on transcript NM_004415.4 (MANE Select); coding-DNA positions 1386 to 1389, 4 bases deleted (TCTC; older notation c.1386_1389delTCTC).
Protein change: p.Leu463fs; shifts the reading frame from leucine 463.
Molecular consequence: frameshift variant.
Genome position (GRCh38, 1-based): chr6:7,568,556-7,568,559, TCTC deleted. VCF-style (leftmost placement, unchanged base first): chr6-7568555-TTCTC-T. GRCh37 (hg19) VCF-style: chr6-7568788-TTCTC-T.
Other names: c.1386_1389del, p.Leu463fs (NM_001008844.3, NM_001319034.2, NM_001406591.1); short protein forms L463fs.
Identifiers: ClinVar variation 2954116 (VCV002954116.3), dbSNP rs2533884515, ClinGen allele CA2677222923.
Genomic context (GRCh38, chr6:7,568,555, plus strand): 5'-CTAAGAAGATTGTACAGCTGAAGCCTCGTAACCCAGACTACAGAAGCAATAAACCCATTA[TTCTC>T]AGAGCTCTCTGTGACTACAAACAAGATCAGGTGTGTACTCATTTAGAATGATACAAAAGT-3'

ClinVar aggregate classification (germline): Pathogenic (1 of 4 stars; one submission).

Conditions:
Arrhythmogenic cardiomyopathy with wooly hair and keratoderma. Also called: PALMOPLANTAR KERATODERMA WITH LEFT VENTRICULAR CARDIOMYOPATHY AND WOOLLY HAIR; Carvajal syndrome; Arrhythmogenic cardiomyopathy with woolly hair and keratoderma; Dilated cardiomyopathy with woolly hair and keratoderma. Identifiers: Orphanet 65282, MedGen C1854063, MONDO:0011581, OMIM 605676.
Arrhythmogenic right ventricular dysplasia 8 (ARVD8). Also called: Arrhythmogenic Right Ventricular Dysplasia/Cardiomyopathy 8; ARRHYTHMOGENIC RIGHT VENTRICULAR DYSPLASIA, FAMILIAL, 8; ARRHYTHMOGENIC RIGHT VENTRICULAR CARDIOMYOPATHY 8. Identifiers: MedGen C1843896, MONDO:0011831, OMIM 607450.

Allele frequency attached by ClinVar (database versions not stated): gnomAD exomes below 0.00001.

Submission:

Labcorp Genetics (formerly Invitae), Labcorp
Classification: Pathogenic for Arrhythmogenic cardiomyopathy with wooly hair and keratoderma; Arrhythmogenic right ventricular dysplasia 8. Last evaluated: 2023-11-29. Review status: criteria provided, single submitter. Criteria: Invitae Variant Classification Sherloc (09022015). Collection method: clinical testing. Allele origin: germline.
Comment: This sequence change creates a premature translational stop signal (p.Leu463Glufs*21) in the DSP gene. It is expected to result in an absent or disrupted protein product. Loss-of-function variants in DSP are known to be pathogenic (PMID: 20716751, 24503780, 25227139). This variant is not present in population databases (gnomAD no frequency). This variant has not been reported in the literature in individuals affected with DSP-related conditions. For these reasons, this variant has been classified as Pathogenic.

Literature cited by the submitters: PubMed 20716751; PubMed 24503780; PubMed 25227139.